The following is an entry in ClinVar:

ClinVar aggregate classification (germline): Pathogenic. Review status: reviewed by expert panel (3 of 4 stars). 3 submissions from 3 submitters: Pathogenic (1). 2 of the submissions do not count toward it. Last evaluated 2016-10-18.

Conditions:
Hereditary breast ovarian cancer syndrome. Also called: Hereditary breast and ovarian cancer syndrome (HBOC); Breast and ovarian cancer; Hereditary breast and ovarian cancer syndrome; Hereditary breast and ovarian cancer; BRCA1- and BRCA2-Associated Hereditary Breast and Ovarian Cancer; Hereditary breast and/or ovarian cancer syndrome. Identifiers: Orphanet 145, MedGen C0677776, MeSH D061325, MONDO:0003582. Disease mechanism: loss of function.
Breast-ovarian cancer, familial, susceptibility to, 1 (BROVCA1). Also called: BRCA1 Hereditary Breast and Ovarian Cancer; OVARIAN CANCER, SUSCEPTIBILITY TO. Identifiers: Orphanet 145, MedGen C2676676, MONDO:0011450, OMIM 604370. Disease mechanism: loss of function.

Submissions (3):

Evidence-based Network for the Interpretation of Germline Mutant Alleles (ENIGMA)
Classification: Pathogenic for Breast-ovarian cancer, familial, susceptibility to, 1. Last evaluated: 2016-10-18. Review status: reviewed by expert panel. Criteria: ENIGMA BRCA1/2 Classification Criteria (2015). Collection method: curation. Allele origin: germline.
Comment: Variant allele predicted to encode a truncated non-functional protein.

Labcorp Genetics (formerly Invitae), Labcorp
Classification: Pathogenic for Hereditary breast ovarian cancer syndrome. Last evaluated: 2023-03-16. Review status: criteria provided, single submitter. Criteria: Invitae Variant Classification Sherloc (09022015). Collection method: clinical testing. Allele origin: germline. Not counted in ClinVar's aggregate classification.
Comment: For these reasons, this variant has been classified as Pathogenic. ClinVar contains an entry for this variant (Variation ID: 266500). This variant has not been reported in the literature in individuals affected with BRCA1-related conditions. This variant is not present in population databases (gnomAD no frequency). This sequence change creates a premature translational stop signal (p.Asn1626Metfs*7) in the BRCA1 gene. It is expected to result in an absent or disrupted protein product. Loss-of-function variants in BRCA1 are known to be pathogenic (PMID: 20104584).

Consortium of Investigators of Modifiers of BRCA1/2 (CIMBA), c/o University of Cambridge
Classification: Pathogenic for Breast-ovarian cancer, familial, susceptibility to, 1. Last evaluated: 2015-10-02. Review status: criteria provided, single submitter. Criteria: CIMBA Mutation Classification guidelines May 2016. Collection method: clinical testing. Allele origin: germline. Not counted in ClinVar's aggregate classification.

Literature cited by the submitters: PubMed 20104584 (cited by Labcorp Genetics (formerly Invitae), Labcorp).

NM_007294.4(BRCA1):c.4877del (p.Asn1626fs)

Gene: BRCA1 (BRCA1 DNA repair associated; minus strand). Cytogenetic location: 17q21.31.
Variant type: Deletion.
Coding change: c.4877del on transcript NM_007294.4 (MANE Select); coding-DNA position 4877, one base deleted (A; older notation c.4877delA).
Protein change: p.Asn1626fs; shifts the reading frame from asparagine 1626.
Molecular consequence: frameshift variant. On other transcripts: non-coding transcript variant (1).
Genome position (GRCh38, 1-based): chr17:43,071,037, T deleted on the plus strand (A on the coding strand, the reverse complement: BRCA1 is on the minus strand); the first of 2 consecutive T bases (chr17:43,071,037-43,071,038); deleting either gives the same sequence. VCF-style (leftmost placement, unchanged base first): chr17-43071036-AT-A. GRCh37 (hg19) VCF-style: chr17-41223053-AT-A.
Other names: 4996delA; c.4870delA, p.Asn1624Metfs (NM_001407640.1, NM_001407641.1, NM_001407642.1 and 14 more transcripts); c.4867delA, p.Asn1623Metfs (NM_001407644.1, NM_001407645.1); c.4864delA, p.Asn1622Metfs (NM_001407646.1); c.4861delA, p.Asn1621Metfs (NM_001407647.1); c.4819delA, p.Asn1607Metfs (NM_001407648.1); c.4816delA, p.Asn1606Metfs (NM_001407649.1); c.4876delA, p.Asn1626Metfs (NM_001407652.1, NM_001407684.1, NM_001407854.1 and 9 more transcripts); and 74 more; short protein forms N1626fs, N1647fs, N1579fs, N522fs.
Identifiers: ClinVar variation 266500 (VCV000266500.10), dbSNP rs886040252, ClinGen allele CA10589641.